The following is an entry in ClinVar:

ClinVar aggregate classification (germline): Conflicting classifications of pathogenicity. Review status: criteria provided, conflicting classifications (1 of 4 stars). 2 submissions from 2 submitters: Uncertain significance (1); Likely benign (1). Last evaluated 2025-09-01.

Conditions:
Inborn genetic diseases. Identifiers: MedGen C0950123, MeSH D030342.

Submissions (2):

CeGaT Center for Human Genetics Tuebingen
Classification: Likely benign. Last evaluated: 2025-09-01. Review status: criteria provided, single submitter. Criteria: CeGaT Center For Human Genetics Tuebingen Variant Classification Criteria Version 2. Collection method: clinical testing. Allele origin: germline. Affected: yes. Observed: 1 variant allele.
Comment: KRT12: BS1

Ambry Genetics
Classification: Uncertain significance for Inborn genetic diseases. Last evaluated: 2025-08-05. Review status: criteria provided, single submitter. Criteria: Ambry Variant Classification Scheme 2023. Collection method: clinical testing. Allele origin: germline.

NM_000223.4(KRT12):c.1403G>A (p.Arg468Gln)

Gene: KRT12 (keratin 12; minus strand). Cytogenetic location: 17q21.2.
Variant type: single nucleotide variant.
Coding change: c.1403G>A on transcript NM_000223.4 (MANE Select); coding-DNA position 1403, G replaced by A.
Protein change: p.Arg468Gln; replaces arginine 468 with glutamine.
Molecular consequence: missense variant.
Genome position (GRCh38, 1-based): chr17:40,861,743, C>T on the plus strand (G>A on the coding strand, the complement: KRT12 is on the minus strand). VCF-style: chr17-40861743-C-T. GRCh37 (hg19) VCF-style: chr17-39017995-C-T.
Other names: short protein forms R468Q.
Identifiers: ClinVar variation 4094689 (VCV004094689.8).